The following is an entry in ClinVar:

NM_000135.4(FANCA):c.1781C>A (p.Pro594His)

Gene: FANCA (FA complementation group A; minus strand). Cytogenetic location: 16q24.3.
Variant type: single nucleotide variant.
Coding change: c.1781C>A on transcript NM_000135.4 (MANE Select); coding-DNA position 1781, C replaced by A.
Protein change: p.Pro594His; replaces proline 594 with histidine.
Molecular consequence: missense variant.
Genome position (GRCh38, 1-based): chr16:89,778,846, G>T on the plus strand (C>A on the coding strand, the complement: FANCA is on the minus strand). VCF-style: chr16-89778846-G-T. GRCh37 (hg19) VCF-style: chr16-89845254-G-T.
Other names: c.1781C>A, p.Pro594His (NM_001286167.3); short protein forms P594H.
Identifiers: ClinVar variation 969574 (VCV000969574.9), dbSNP rs780295697, ClinGen allele CA8252069.

ClinVar aggregate classification (germline): Uncertain significance. Review status: criteria provided, multiple submitters, no conflicts (2 of 4 stars). 3 submissions from 3 submitters: Uncertain significance (2). 1 of the submissions does not count toward it. Last evaluated 2022-06-25.

Conditions:
Fanconi anemia complementation group A (FANCA). Also called: FANCA-Related Fanconi Anemia; Fanconi anemia, group A. Identifiers: Orphanet 84, MedGen C3469521, MONDO:0009215, OMIM 227650.
Fanconi anemia (FA). Also called: Fanconi's anemia. Identifiers: Orphanet 84, MedGen C0015625, MeSH D005199, MONDO:0019391.

Allele frequency attached by ClinVar (database versions not stated): ExAC 0.00002; gnomAD exomes 0.00002; TOPMed 0.00002.
gnomAD v4.1: 7 of 1,613,992 alleles (0.00043%); highest among the groups gnomAD compares: East Asian, 0.013%; no homozygotes.

Submissions (3):

Labcorp Genetics (formerly Invitae), Labcorp
Classification: Uncertain significance for Fanconi anemia. Last evaluated: 2022-06-25. Review status: criteria provided, single submitter. Criteria: Invitae Variant Classification Sherloc (09022015). Collection method: clinical testing. Allele origin: germline.
Comment: This sequence change replaces proline, which is neutral and non-polar, with histidine, which is basic and polar, at codon 594 of the FANCA protein (p.Pro594His). This variant is present in population databases (rs780295697, gnomAD 0.03%). This variant has not been reported in the literature in individuals affected with FANCA-related conditions. ClinVar contains an entry for this variant (Variation ID: 969574). Advanced modeling of protein sequence and biophysical properties (such as structural, functional, and spatial information, amino acid conservation, physicochemical variation, residue mobility, and thermodynamic stability) performed at Invitae indicates that this missense variant is expected to disrupt FANCA protein function. In summary, the available evidence is currently insufficient to determine the role of this variant in disease. Therefore, it has been classified as a Variant of Uncertain Significance.

Fulgent Genetics
Classification: Uncertain significance for Fanconi anemia complementation group A. Last evaluated: 2022-04-21. Review status: criteria provided, single submitter. Criteria: ACMG Guidelines, 2015. Collection method: clinical testing. Allele origin: unknown.

Natera, Inc.
Classification: Uncertain significance for Fanconi anemia. Last evaluated: 2020-03-18. Review status: no assertion criteria provided. Collection method: clinical testing. Allele origin: germline. Not counted in ClinVar's aggregate classification.